The following is an entry in ClinVar:

ClinVar aggregate classification (germline): Uncertain significance. Review status: criteria provided, multiple submitters, no conflicts (2 of 4 stars). 4 submissions from 4 submitters: Uncertain significance (4). Last evaluated 2025-07-18.

Conditions:
Severe combined immunodeficiency due to CARMIL2 deficiency. Also called: IMMUNODEFICIENCY 58. Identifiers: Orphanet 542301, MedGen C4748304, MONDO:0029134, OMIM 618131.

Allele frequency attached by ClinVar (database versions not stated): ExAC 0.00006; gnomAD 0.00004 and 0.00003; TOPMed 0.00005; gnomAD exomes 0.00006 and 0.00007.
gnomAD v4.1: 118 of 1,613,348 alleles (0.0073%); highest among the groups gnomAD compares: Non-Finnish European, 0.009%; no homozygotes.

Submissions (4):

GeneDx
Classification: Uncertain significance. Last evaluated: 2025-07-18. Review status: criteria provided, single submitter. Criteria: GeneDx Variant Classification Process June 2021. Collection method: clinical testing. Allele origin: germline. Affected: yes.
Comment: In silico analysis suggests that this missense variant does not alter protein structure/function; Has not been previously published as pathogenic or benign to our knowledge

Mayo Clinic Laboratories, Mayo Clinic
Classification: Uncertain significance. Last evaluated: 2025-04-30. Review status: criteria provided, single submitter. Criteria: ACMG Guidelines, 2015. Collection method: clinical testing. Allele origin: germline. Observed: 1 variant allele.
Comment: BP4_moderate

Labcorp Genetics (formerly Invitae), Labcorp
Classification: Uncertain significance. Last evaluated: 2022-02-10. Review status: criteria provided, single submitter. Criteria: Invitae Variant Classification Sherloc (09022015). Collection method: clinical testing. Allele origin: germline.
Comment: This sequence change replaces glutamine, which is neutral and polar, with proline, which is neutral and non-polar, at codon 891 of the CARMIL2 protein (p.Gln891Pro). This variant is present in population databases (rs769736838, gnomAD 0.01%). This variant has not been reported in the literature in individuals affected with CARMIL2-related conditions. ClinVar contains an entry for this variant (Variation ID: 229203). Algorithms developed to predict the effect of missense changes on protein structure and function are either unavailable or do not agree on the potential impact of this missense change (SIFT: "Deleterious"; PolyPhen-2: "Benign"; Align-GVGD: "Class C0"). In summary, the available evidence is currently insufficient to determine the role of this variant in disease. Therefore, it has been classified as a Variant of Uncertain Significance.

Laboratory for Molecular Medicine, Mass General Brigham Personalized Medicine
Classification: Uncertain significance. Last evaluated: 2015-07-13. Review status: criteria provided, single submitter. Criteria: LMM Criteria. Collection method: clinical testing. Allele origin: germline. Observed: 1 variant allele.
Comment: The p.Gln891Pro variant in RLTPR has not been previously reported, but was ident ified in 7/66280 European chromosomes by the Exome Aggregation Consortium (ExAC). Computational prediction tools and conservatio n analyses suggest that the variant may not impact the protein, though this info rmation is not predictive enough to rule out pathogenicity. In summary, the clin ical significance of the p.Gln891Pro variant is uncertain.

NM_001013838.3(CARMIL2):c.2672A>C (p.Gln891Pro)

Gene: CARMIL2 (capping protein regulator and myosin 1 linker 2; plus strand). Cytogenetic location: 16q22.1.
Variant type: single nucleotide variant.
Coding change: c.2672A>C on transcript NM_001013838.3 (MANE Select); coding-DNA position 2672, A replaced by C.
Protein change: p.Gln891Pro; replaces glutamine 891 with proline.
Molecular consequence: missense variant.
Genome position (GRCh38, 1-based): chr16:67,652,004, A>C. VCF-style: chr16-67652004-A-C. GRCh37 (hg19) VCF-style: chr16-67685907-A-C.
Other names: c.2564A>C, p.Gln855Pro (NM_001317026.3); short protein forms Q891P, Q855P.
Identifiers: ClinVar variation 229203 (VCV000229203.10), dbSNP rs769736838, ClinGen allele CA8113849.
Genomic context (GRCh38, chr16:67,652,004, plus strand): 5'-GGACCTTGGCAGAGAGCATTGTGGCTCAGGCTTTGGCAGGCCTGAGTGCAGCCCGGGATC[A>C]GCTGGTGAGGGGGAGATGTGCACACACTTTCGTGCAAACACACACATGCAGTGACTTGGC-3'
Protein context (NP_001013860.1, residues 881-901): ALAGLSAARD[Gln891Pro]LVESLAQQAT